The following is an entry in ClinVar:

NM_024649.5(BBS1):c.1138C>T (p.Arg380Trp)

Genes: BBS1 (Bardet-Biedl syndrome 1; plus strand), ZDHHC24 (zDHHC palmitoyltransferase 24; minus strand). Cytogenetic location: 11q13.2.
Variant type: single nucleotide variant.
Coding change: c.1138C>T on transcript NM_024649.5 (MANE Select); coding-DNA position 1138, C replaced by T.
Protein change: p.Arg380Trp; replaces arginine 380 with tryptophan.
Molecular consequence: missense variant. On other transcripts: intron variant (1).
Genome position (GRCh38, 1-based): chr11:66,526,150, C>T. VCF-style: chr11-66526150-C-T. GRCh37 (hg19) VCF-style: chr11-66293621-C-T.
Other names: c.*21+786G>A (NM_001348571.2); short protein forms R380W.
Identifiers: ClinVar variation 305467 (VCV000305467.24), dbSNP rs752299442, ClinGen allele CA6123635.

ClinVar aggregate classification (germline): Uncertain significance. Review status: criteria provided, multiple submitters, no conflicts (2 of 4 stars). 4 submissions from 4 submitters: Uncertain significance (2). 2 of the submissions do not count toward it. Last evaluated 2025-05-05.

Conditions:
BBS1-related disorder. Also called: BBS1-related condition.
Bardet-Biedl syndrome 1 (BBS1). Identifiers: MedGen C2936862, MONDO:0008854, OMIM 209900. Disease mechanism: loss of function.
Bardet-Biedl syndrome (BBS). Identifiers: Orphanet 110, MedGen C0752166, MONDO:0015229.

Allele frequency attached by ClinVar (database versions not stated): ExAC 0.00002; gnomAD exomes below 0.00001; TOPMed 0.00001.
gnomAD v4.1: 21 of 1,614,134 alleles (0.0013%); highest among the groups gnomAD compares: Non-Finnish European, 0.0015%; no homozygotes.

Submissions (4):

Labcorp Genetics (formerly Invitae), Labcorp
Classification: Uncertain significance for Bardet-Biedl syndrome. Last evaluated: 2025-05-05. Review status: criteria provided, single submitter. Criteria: Invitae Variant Classification Sherloc (09022015). Collection method: clinical testing. Allele origin: germline.
Comment: This sequence change replaces arginine, which is basic and polar, with tryptophan, which is neutral and slightly polar, at codon 380 of the BBS1 protein (p.Arg380Trp). This variant is present in population databases (rs752299442, gnomAD 0.003%). This variant has not been reported in the literature in individuals affected with BBS1-related conditions. ClinVar contains an entry for this variant (Variation ID: 305467). Invitae Evidence Modeling of protein sequence and biophysical properties (such as structural, functional, and spatial information, amino acid conservation, physicochemical variation, residue mobility, and thermodynamic stability) has been performed for this missense variant. However, the output from this modeling did not meet the statistical confidence thresholds required to predict the impact of this variant on BBS1 protein function. In summary, the available evidence is currently insufficient to determine the role of this variant in disease. Therefore, it has been classified as a Variant of Uncertain Significance.

Illumina Laboratory Services, Illumina
Classification: Uncertain significance for Bardet-Biedl syndrome 1. Last evaluated: 2018-01-13. Review status: criteria provided, single submitter. Criteria: ICSL Variant Classification Criteria 13 December 2019. Collection method: clinical testing. Allele origin: germline.

PreventionGenetics, part of Exact Sciences
Classification: Uncertain significance for BBS1-related condition. Last evaluated: 2024-07-07. Review status: no assertion criteria provided. Collection method: clinical testing. Allele origin: germline. Not counted in ClinVar's aggregate classification.
Comment: The BBS1 c.1138C>T variant is predicted to result in the amino acid substitution p.Arg380Trp. To our knowledge, this variant has not been reported in the literature. An alternate substitution impacting the same amino acid (p.Arg380Gln) was reported in the homozygous state in two related individuals with Joubert syndrome; however, both individuals were also homozygous for a variant in the TMEM138 gene (Suzuki et al. 2016. PubMed ID: 27434533). The c.1138C>T (p.Arg380Trp) variant is reported in 0.0033% of alleles in individuals of South Asian descent in gnomAD. At this time, the clinical significance of this variant is uncertain due to the absence of conclusive functional and genetic evidence.

Natera, Inc.
Classification: Uncertain significance for Bardet-Biedl syndrome type 1. Last evaluated: 2020-12-10. Review status: no assertion criteria provided. Collection method: clinical testing. Allele origin: germline. Not counted in ClinVar's aggregate classification.